The following is an entry in ClinVar:

ClinVar aggregate classification (germline): Likely benign (1 of 4 stars; one submission).

Conditions:
Xeroderma pigmentosum variant type. Also called: POLH-Related Xeroderma Pigmentosum; PHOTOSENSITIVITY WITH DEFECTIVE DNA SYNTHESIS; XERODERMA PIGMENTOSUM WITH NORMAL DNA REPAIR RATES. Identifiers: Orphanet 90342, MedGen C1848410, MONDO:0010214, OMIM 278750.

Allele frequency attached by ClinVar (database versions not stated): gnomAD 0.00037 and 0.00038; TOPMed 0.00043; 1000 Genomes Project 30x 0.00047; 1000 Genomes Project 0.00060.

Submission:

Illumina Laboratory Services, Illumina
Classification: Likely benign for Xeroderma pigmentosum variant type. Last evaluated: 2018-01-13. Review status: criteria provided, single submitter. Criteria: ICSL Variant Classification Criteria 13 December 2019. Collection method: clinical testing. Allele origin: germline.
Comment: This variant was observed in the ICSL laboratory as part of a predisposition screen in an ostensibly healthy population. It had not been previously curated by ICSL or reported in the Human Gene Mutation Database (HGMD: prior to June 1st, 2018), and was therefore a candidate for classification through an automated scoring system. Utilizing variant allele frequency, disease prevalence and penetrance estimates, and inheritance mode, an automated score was calculated to assess if this variant is too frequent to cause the disease. Based on the score and internal cut-off values, a variant classified as likely benign is not then subjected to further curation. The score for this variant resulted in a classification of likely benign for this disease.

NM_006502.3(POLH):c.*2513A>T

Gene: POLH (DNA polymerase eta; plus strand). Cytogenetic location: 6p21.1.
Variant type: single nucleotide variant.
Coding change: c.*2513A>T on transcript NM_006502.3 (MANE Select); 2513 bases downstream of the stop codon, A replaced by T.
Molecular consequence: 3 prime UTR variant.
Genome position (GRCh38, 1-based): chr6:43,617,070, A>T. VCF-style: chr6-43617070-A-T. GRCh37 (hg19) VCF-style: chr6-43584807-A-T.
Other names: c.*2513A>T (NM_001291969.2); c.*3339A>T (NM_001291970.2).
Identifiers: ClinVar variation 356966 (VCV000356966.7), dbSNP rs111841811, ClinGen allele CA10626971.